The following is an entry in ClinVar:

NM_021629.4(GNB4):c.402A>G (p.Arg134=)

Gene: GNB4 (G protein subunit beta 4; minus strand). Cytogenetic location: 3q26.33.
Variant type: single nucleotide variant.
Coding change: c.402A>G on transcript NM_021629.4 (MANE Select); coding-DNA position 402, A replaced by G.
Protein change: p.Arg134=; no amino-acid change (arginine 134 retained).
Molecular consequence: synonymous variant.
Genome position (GRCh38, 1-based): chr3:179,414,913, T>C on the plus strand (A>G on the coding strand, the complement: GNB4 is on the minus strand). VCF-style: chr3-179414913-T-C. GRCh37 (hg19) VCF-style: chr3-179132701-T-C.
Identifiers: ClinVar variation 1906266 (VCV001906266.5), dbSNP rs748310425, ClinGen allele CA2712502.
Genomic context (GRCh38, chr3:179,414,913, plus strand): 5'-TGTGGTGGGAAAGAATATTTAGGGAAGCTCACCTGTGTGACCTGGCAACTCTCGGCTTAC[T>C]CTCACATTTCCCTCTCTGGTCTTTAAGTTATATATAGAGCAGATGTTGTCCAAGCCTCCA-3'
Protein context (NP_067642.1, residues 124-144): YNLKTREGNV[Arg134=]VSRELPGHTG

ClinVar aggregate classification (germline): Uncertain significance (1 of 4 stars; one submission).

Conditions:
Charcot-Marie-Tooth disease dominant intermediate F. Identifiers: Orphanet 352670, MedGen C4749463, MONDO:0014074, OMIM 615185.

Allele frequency attached by ClinVar (database versions not stated): ExAC 0.00001; gnomAD exomes 0.00001.
gnomAD v4.1: 8 of 1,600,992 alleles (0.0005%); highest among the groups gnomAD compares: Non-Finnish European, 0.00068%; no homozygotes.

Submission:

Labcorp Genetics (formerly Invitae), Labcorp
Classification: Uncertain significance for Charcot-Marie-Tooth disease dominant intermediate F. Last evaluated: 2024-01-17. Review status: criteria provided, single submitter. Criteria: Invitae Variant Classification Sherloc (09022015). Collection method: clinical testing. Allele origin: germline.
Comment: This sequence change affects codon 134 of the GNB4 mRNA. It is a 'silent' change, meaning that it does not change the encoded amino acid sequence of the GNB4 protein. This variant is present in population databases (rs748310425, gnomAD 0.0009%). This variant has not been reported in the literature in individuals affected with GNB4-related conditions. ClinVar contains an entry for this variant (Variation ID: 1906266). Algorithms developed to predict the effect of sequence changes on RNA splicing suggest that this variant may disrupt the consensus splice site. In summary, the available evidence is currently insufficient to determine the role of this variant in disease. Therefore, it has been classified as a Variant of Uncertain Significance.